The following is an entry in ClinVar:

NM_001005388.3(NFASC):c.1802A>T (p.Asp601Val)

Gene: NFASC (neurofascin; plus strand). Cytogenetic location: 1q32.1.
Variant type: single nucleotide variant.
Coding change: c.1802A>T on transcript NM_001005388.3 (MANE Select); coding-DNA position 1802, A replaced by T.
Protein change: p.Asp601Val; replaces aspartic acid 601 with valine.
Molecular consequence: missense variant. On other transcripts: non-coding transcript variant (1).
Genome position (GRCh38, 1-based): chr1:204,976,766, A>T. VCF-style: chr1-204976766-A-T. GRCh37 (hg19) VCF-style: chr1-204945894-A-T.
Other names: c.1802A>T, p.Asp601Val (NM_001005389.2, NM_001378329.1); c.1835A>T, p.Asp612Val (NM_001160331.2, NM_001160332.2, NM_001365986.1 and 3 more transcripts); c.1784A>T, p.Asp595Val (NM_001160333.2); c.1802A>T (NM_001005388.2); short protein forms D595V, D601V, D612V.
Identifiers: ClinVar variation 1701122 (VCV001701122.32), dbSNP rs568124242, ClinGen allele CA1350072.

ClinVar aggregate classification (germline): Uncertain significance. Review status: criteria provided, multiple submitters, no conflicts (2 of 4 stars). 2 submissions from 2 submitters: Uncertain significance (2). Last evaluated 2025-07-16.

Conditions:
Inborn genetic diseases. Identifiers: MedGen C0950123, MeSH D030342.

Allele frequency attached by ClinVar (database versions not stated): gnomAD 0.00001 and 0.00002; ExAC 0.00002; gnomAD exomes 0.00002; 1000 Genomes Project 30x 0.00016; 1000 Genomes Project 0.00020.
gnomAD v4.1: 31 of 1,613,850 alleles (0.0019%); highest among the groups gnomAD compares: Middle Eastern, 0.017%; no homozygotes.

Submissions (2):

Ambry Genetics
Classification: Uncertain significance for Inborn genetic diseases. Last evaluated: 2025-07-16. Review status: criteria provided, single submitter. Criteria: Ambry Variant Classification Scheme 2023. Collection method: clinical testing. Allele origin: germline.

CeGaT Center for Human Genetics Tuebingen
Classification: Uncertain significance. Last evaluated: 2022-07-01. Review status: criteria provided, single submitter. Criteria: CeGaT Center For Human Genetics Tuebingen Variant Classification Criteria Version 2. Collection method: clinical testing. Allele origin: germline. Affected: yes. Observed: 1 variant allele.
Comment: NFASC: PM2, PM3:Supporting, BP4, BP5